The following is an entry in ClinVar:

NM_014967.5(FAN1):c.1930C>T (p.His644Tyr)

Gene: FAN1 (FANCD2 and FANCI associated nuclease 1; plus strand). Cytogenetic location: 15q13.3.
Variant type: single nucleotide variant.
Coding change: c.1930C>T on transcript NM_014967.5 (MANE Select); coding-DNA position 1930, C replaced by T.
Protein change: p.His644Tyr; replaces histidine 644 with tyrosine.
Molecular consequence: missense variant.
Genome position (GRCh38, 1-based): chr15:30,918,282, C>T. VCF-style: chr15-30918282-C-T. GRCh37 (hg19) VCF-style: chr15-31210485-C-T.
Other names: short protein forms H644Y.
Identifiers: ClinVar variation 3061318 (VCV003061318.2), dbSNP rs1224709107, ClinGen allele CA391512574.

ClinVar aggregate classification (germline): Uncertain significance (0 of 4 stars; one submission).

Conditions:
FAN1-related disorder. Also called: FAN1-related condition.

Allele frequency attached by ClinVar (database versions not stated): TOPMed below 0.00001; gnomAD 0.00001.
gnomAD v4.1: 1 of 1,613,974 alleles (0.000062%); highest among the groups gnomAD compares: Non-Finnish European, 0.000085%; no homozygotes.

Submission:

PreventionGenetics, part of Exact Sciences
Classification: Uncertain significance for FAN1-related condition. Last evaluated: 2024-02-28. Review status: no assertion criteria provided. Collection method: clinical testing. Allele origin: germline.
Comment: The FAN1 c.1930C>T variant is predicted to result in the amino acid substitution p.His644Tyr. To our knowledge, this variant has not been reported in the literature or in a large population database, indicating this variant is rare. At this time, the clinical significance of this variant is uncertain due to the absence of conclusive functional and genetic evidence.